The following is an entry in ClinVar:

NM_002471.4(MYH6):c.726C>T (p.Ser242=)

Gene: MYH6 (myosin heavy chain 6; minus strand). Cytogenetic location: 14q11.2.
Variant type: single nucleotide variant.
Coding change: c.726C>T on transcript NM_002471.4 (MANE Select); coding-DNA position 726, C replaced by T.
Protein change: p.Ser242=; no amino-acid change (serine 242 retained).
Molecular consequence: synonymous variant.
Genome position (GRCh38, 1-based): chr14:23,404,305, G>A on the plus strand (C>T on the coding strand, the complement: MYH6 is on the minus strand). VCF-style: chr14-23404305-G-A. GRCh37 (hg19) VCF-style: chr14-23873514-G-A.
Identifiers: ClinVar variation 738324 (VCV000738324.14), dbSNP rs1349997048, ClinGen allele CA485612012.

ClinVar aggregate classification (germline): Likely benign. Review status: criteria provided, multiple submitters, no conflicts (2 of 4 stars). 3 submissions from 3 submitters: Likely benign (3). Last evaluated 2026-06-01.

Conditions:
Cardiovascular phenotype. Identifiers: MedGen CN230736.
Hypertrophic cardiomyopathy 14. Identifiers: MedGen C2750467, MONDO:0013197, OMIM 613251.

Allele frequency attached by ClinVar (database versions not stated): gnomAD 0.00001; gnomAD exomes 0.00001; TOPMed 0.00005.
gnomAD v4.1: 7 of 1,614,116 alleles (0.00043%); highest among the groups gnomAD compares: Admixed American, 0.005%; no homozygotes.

Submissions (3):

CeGaT Center for Human Genetics Tuebingen
Classification: Likely benign. Last evaluated: 2026-06-01. Review status: criteria provided, single submitter. Criteria: CeGaT Center For Human Genetics Tuebingen Variant Classification Criteria Version 2. Collection method: clinical testing. Allele origin: germline. Affected: yes. Observed: 1 variant allele.
Comment: MYH6: BP4, BP7

Labcorp Genetics (formerly Invitae), Labcorp
Classification: Likely benign for Hypertrophic cardiomyopathy 14. Last evaluated: 2024-09-17. Review status: criteria provided, single submitter. Criteria: Invitae Variant Classification Sherloc (09022015). Collection method: clinical testing. Allele origin: germline.

Ambry Genetics
Classification: Likely benign for Cardiovascular phenotype. Last evaluated: 2021-04-29. Review status: criteria provided, single submitter. Criteria: Ambry Variant Classification Scheme 2023. Collection method: clinical testing. Allele origin: germline.